The following is an entry in ClinVar:

ClinVar aggregate classification (germline): Pathogenic. Review status: criteria provided, multiple submitters, no conflicts (2 of 4 stars). 3 submissions from 3 submitters: Pathogenic (2). 1 of the submissions does not count toward it. Last evaluated 2025-08-13.

Conditions:
Hereditary cancer-predisposing syndrome. Also called: Neoplastic Syndromes, Hereditary; Tumor predisposition; Hereditary Cancer Syndrome; Hereditary neoplastic syndrome. Identifiers: Orphanet 140162, MedGen C0027672, MeSH D009386, MONDO:0015356.
Tuberous sclerosis syndrome (TSC). Also called: Tuberous Sclerosis Complex; Tuberous sclerosis. Identifiers: Orphanet 805, MedGen C0041341, MONDO:0001734.
Tuberous sclerosis 2 (TSC2). Identifiers: Orphanet 805, MedGen C1860707, MONDO:0013199, OMIM 613254.

Submissions (3):

Labcorp Genetics (formerly Invitae), Labcorp
Classification: Pathogenic for Tuberous sclerosis 2. Last evaluated: 2025-08-13. Review status: criteria provided, single submitter. Criteria: Invitae Variant Classification Sherloc (09022015). Collection method: clinical testing. Allele origin: germline.
Comment: This sequence change affects a donor splice site in intron 37 of the TSC2 gene. It is expected to disrupt RNA splicing. Variants that disrupt the donor or acceptor splice site typically lead to a loss of protein function (PMID: 16199547), and loss-of-function variants in TSC2 are known to be pathogenic (PMID: 10205261, 17304050). This variant is not present in population databases (gnomAD no frequency). Disruption of this splice site has been observed in individual(s) with clinical features of tuberous sclerosis complex (PMID: 17304050; internal data). In at least one individual the variant was observed to be de novo. ClinVar contains an entry for this variant (Variation ID: 49864). Algorithms developed to predict the effect of sequence changes on RNA splicing suggest that this variant may disrupt the consensus splice site. For these reasons, this variant has been classified as Pathogenic.

Ambry Genetics
Classification: Pathogenic for Hereditary cancer-predisposing syndrome. Last evaluated: 2017-05-26. Review status: criteria provided, single submitter. Criteria: Ambry Variant Classification Scheme 2023. Collection method: clinical testing. Allele origin: germline.
Comment: The c.4849+1G>A intronic pathogenic mutation results from a G to A substitution one nucleotide after coding exon 36 of the TSC2 gene. This alteration was detected as a de novo occurrence in an individual with a clinical diagnosis of tuberous sclerosis complex (TSC) (Au KS et al. Genet. Med., 2007 Feb;9:88-100). In addition to the clinical data presented in the literature, since alterations that disrupt the canonical splice site are expected to cause aberrant splicing, resulting in an abnormal protein or a transcript that is subject to nonsense-mediated mRNA decay. Based on the supporting evidence, this alteration is interpreted as a disease-causing mutation.

Tuberous sclerosis database (TSC2)
No classification provided. Condition: TSC. Review status: no classification provided. Criteria: Tuberous Sclerosis Database Assertion Criteria 2015. Collection method: curation. Allele origin: germline. Affected: yes. Not counted in ClinVar's aggregate classification.

Literature cited by the submitters: PubMed 16199547 (cited by Labcorp Genetics (formerly Invitae), Labcorp); PubMed 10205261 (cited by Labcorp Genetics (formerly Invitae), Labcorp); PubMed 17304050 (cited by Labcorp Genetics (formerly Invitae), Labcorp and Ambry Genetics).

NM_000548.5(TSC2):c.4849+1G>A

Gene: TSC2 (TSC complex subunit 2; plus strand). Cytogenetic location: 16p13.3.
Variant type: single nucleotide variant.
Coding change: c.4849+1G>A on transcript NM_000548.5 (MANE Select); the canonical splice donor site of the intron after coding-DNA position 4849, G replaced by A.
Molecular consequence: splice donor variant.
Genome position (GRCh38, 1-based): chr16:2,086,380, G>A. VCF-style: chr16-2086380-G-A. GRCh37 (hg19) VCF-style: chr16-2136381-G-A.
Other names: c.4780+1G>A (NM_001114382.3); c.4846+1G>A (NM_001406663.1); c.4777+1G>A (NM_001406664.1); c.4720+1G>A (NM_021055.3, NM_001370405.1); c.4651+1G>A (NM_001363528.2); c.4771+1G>A (NM_001406665.1); c.4717+1G>A (NM_001370404.1); c.4648+1G>A (NM_001077183.3); and 26 more.
Identifiers: ClinVar variation 49864 (VCV000049864.12), dbSNP rs45517375, ClinGen allele CA021094.